The following is an entry in ClinVar:

ClinVar aggregate classification (germline): Likely benign. Review status: criteria provided, multiple submitters, no conflicts (2 of 4 stars). 2 submissions from 2 submitters: Likely benign (2). Last evaluated 2025-04-23.

Conditions:
TRPM1-related disorder. Also called: TRPM1-related condition.

Allele frequency attached by ClinVar (database versions not stated): 1000 Genomes Project 0.00040; 1000 Genomes Project 30x 0.00062; gnomAD 0.00002 and 0.00003; ExAC 0.00017.
gnomAD v4.1: 67 of 1,614,194 alleles (0.0042%); highest among the groups gnomAD compares: Admixed American, 0.11%; 1 homozygote.

Submissions (2):

Labcorp Genetics (formerly Invitae), Labcorp
Classification: Likely benign. Last evaluated: 2025-04-23. Review status: criteria provided, single submitter. Criteria: Invitae Variant Classification Sherloc (09022015). Collection method: clinical testing. Allele origin: germline.

PreventionGenetics, part of Exact Sciences
Classification: Likely benign for TRPM1-related condition. Last evaluated: 2024-12-19. Review status: criteria provided, single submitter. Criteria: ACMG Guidelines, 2015. Collection method: clinical testing. Allele origin: germline.
Comment: This variant is classified as likely benign based on ACMG/AMP sequence variant interpretation guidelines (Richards et al. 2015 PMID: 25741868, with internal and published modifications).

NM_001252024.2(TRPM1):c.4059C>A (p.Ser1353Arg)

Gene: TRPM1 (transient receptor potential cation channel subfamily M member 1; minus strand). Cytogenetic location: 15q13.3.
Variant type: single nucleotide variant.
Coding change: c.4059C>A on transcript NM_001252024.2 (MANE Select); coding-DNA position 4059, C replaced by A.
Protein change: p.Ser1353Arg; replaces serine 1353 with arginine.
Molecular consequence: missense variant.
Genome position (GRCh38, 1-based): chr15:31,002,641, G>T on the plus strand (C>A on the coding strand, the complement: TRPM1 is on the minus strand). VCF-style: chr15-31002641-G-T. GRCh37 (hg19) VCF-style: chr15-31294844-G-T.
Other names: c.4110C>A, p.Ser1370Arg (NM_001252020.2); c.3993C>A, p.Ser1331Arg (NM_002420.6); c.4110C>A (NM_001252020.1); short protein forms S1331R, S1353R, S1370R.
Identifiers: ClinVar variation 1052969 (VCV001052969.7), dbSNP rs199880866, ClinGen allele CA7451705.